The following is an entry in ClinVar:

NM_001184880.2(PCDH19):c.1364A>G (p.Lys455Arg)

Gene: PCDH19 (protocadherin 19; minus strand). Cytogenetic location: Xq22.1.
Variant type: single nucleotide variant.
Coding change: c.1364A>G on transcript NM_001184880.2 (MANE Select); coding-DNA position 1364, A replaced by G.
Protein change: p.Lys455Arg; replaces lysine 455 with arginine.
Molecular consequence: missense variant.
Genome position (GRCh38, 1-based): chrX:100,407,234, T>C on the plus strand (A>G on the coding strand, the complement: PCDH19 is on the minus strand). VCF-style: chrX-100407234-T-C. GRCh37 (hg19) VCF-style: chrX-99662232-T-C.
Other names: c.1364A>G, p.Lys455Arg (NM_001105243.2, NM_020766.3); short protein forms K455R.
Identifiers: ClinVar variation 2844211 (VCV002844211.3), dbSNP rs2520983143, ClinGen allele CA414002886.
Genomic context (GRCh38, chrX:100,407,234, plus strand): 5'-ACAGAGAGCAGATAGGCGCCAGGCGTGTTGTTCTCCTGCACAATGACCTGGTAGTAGGGC[T>C]TGGAAAAGTGCGGGTGGTTGTCATTTTCGTCAGTGATGAGCACGGTAAAGGACTTGGCAC-3'
Protein context (NP_001171809.1, residues 445-465): DENDNHPHFS[Lys455Arg]PYYQVIVQEN

ClinVar aggregate classification (germline): Uncertain significance (1 of 4 stars; one submission).

Conditions:
Developmental and epileptic encephalopathy, 9 (DEE9). Also called: JUBERG-HELLMAN SYNDROME; Early infantile epileptic encephalopathy 9; PCDH19-Related X-Linked Female-Limited Epilepsy with Mental Retardation; EPILEPSY, FEMALE-RESTRICTED, WITH MENTAL RETARDATION. Identifiers: Orphanet 101039, Orphanet 2076, MedGen C1848137, MONDO:0010246, OMIM 300088. Disease mechanism: loss of function.

Submission:

Labcorp Genetics (formerly Invitae), Labcorp
Classification: Uncertain significance for Developmental and epileptic encephalopathy, 9. Last evaluated: 2023-03-08. Review status: criteria provided, single submitter. Criteria: Invitae Variant Classification Sherloc (09022015). Collection method: clinical testing. Allele origin: germline.
Comment: This sequence change replaces lysine, which is basic and polar, with arginine, which is basic and polar, at codon 455 of the PCDH19 protein (p.Lys455Arg). This variant is not present in population databases (gnomAD no frequency). This variant has not been reported in the literature in individuals affected with PCDH19-related conditions. Advanced modeling of protein sequence and biophysical properties (such as structural, functional, and spatial information, amino acid conservation, physicochemical variation, residue mobility, and thermodynamic stability) performed at Invitae indicates that this missense variant is not expected to disrupt PCDH19 protein function. In summary, the available evidence is currently insufficient to determine the role of this variant in disease. Therefore, it has been classified as a Variant of Uncertain Significance.